The following is an entry in ClinVar:

ClinVar aggregate classification (germline): Benign/Likely benign. Review status: criteria provided, multiple submitters, no conflicts (2 of 4 stars). 3 submissions from 3 submitters: Benign (1); Likely benign (1). 1 of the submissions does not count toward it. Last evaluated 2025-07-20.

Conditions:
IFT57-related disorder. Also called: IFT57-related condition.

Allele frequency attached by ClinVar (database versions not stated): ESP Exome Variant Server 0.00008; TOPMed 0.00066; gnomAD 0.00107; ExAC 0.00171; 1000 Genomes Project 30x 0.00297; 1000 Genomes Project 0.00339.
gnomAD v4.1: 1,181 of 1,614,154 alleles (0.073%); highest among the groups gnomAD compares: East Asian, 1.3%; 5 homozygotes.

Submissions (3):

Labcorp Genetics (formerly Invitae), Labcorp
Classification: Benign. Last evaluated: 2025-07-20. Review status: criteria provided, single submitter. Criteria: Invitae Variant Classification Sherloc (09022015). Collection method: clinical testing. Allele origin: germline.

Blueprint Genetics
Classification: Likely benign. Last evaluated: 2024-10-15. Review status: criteria provided, single submitter. Criteria: ACMG Guidelines, 2015. Collection method: clinical testing. Allele origin: germline.

PreventionGenetics, part of Exact Sciences
Classification: Likely benign for IFT57-related condition. Last evaluated: 2019-03-25. Review status: no assertion criteria provided. Collection method: clinical testing. Allele origin: germline. Not counted in ClinVar's aggregate classification.
Comment: This variant is classified as likely benign based on ACMG/AMP sequence variant interpretation guidelines (Richards et al. 2015 PMID: 25741868, with internal and published modifications).

NM_018010.4(IFT57):c.96G>C (p.Arg32=)

Gene: IFT57 (intraflagellar transport 57; minus strand). Cytogenetic location: 3q13.13.
Variant type: single nucleotide variant.
Coding change: c.96G>C on transcript NM_018010.4 (MANE Select); coding-DNA position 96, G replaced by C.
Protein change: p.Arg32=; no amino-acid change (arginine 32 retained).
Molecular consequence: synonymous variant.
Genome position (GRCh38, 1-based): chr3:108,222,227, C>G on the plus strand (G>C on the coding strand, the complement: IFT57 is on the minus strand). VCF-style: chr3-108222227-C-G. GRCh37 (hg19) VCF-style: chr3-107941074-C-G.
Other names: c.96G>C (NM_018010.3).
Identifiers: ClinVar variation 2060868 (VCV002060868.7), dbSNP rs116544864, ClinGen allele CA2526844.